The following is an entry in ClinVar:

ClinVar aggregate classification (germline): Pathogenic (1 of 4 stars; one submission).

Submission:

Labcorp Genetics (formerly Invitae), Labcorp
Classification: Pathogenic. Last evaluated: 2025-03-04. Review status: criteria provided, single submitter. Criteria: Invitae Variant Classification Sherloc (09022015). Collection method: clinical testing. Allele origin: germline.
Comment: This sequence change creates a premature translational stop signal (p.Gln218*) in the ABCA4 gene. It is expected to result in an absent or disrupted protein product. Loss-of-function variants in ABCA4 are known to be pathogenic (PMID: 10958761, 24938718, 25312043, 26780318). This variant is not present in population databases (gnomAD no frequency). This premature translational stop signal has been observed in individual(s) with ABCA4-related conditions (PMID: 26780318, 35120629). For these reasons, this variant has been classified as Pathogenic.

Literature cited by the submitters: PubMed 10958761; PubMed 24938718; PubMed 25312043; PubMed 26780318; PubMed 35120629.

NM_000350.3(ABCA4):c.652C>T (p.Gln218Ter)

Gene: ABCA4 (ATP binding cassette subfamily A member 4; minus strand). Cytogenetic location: 1p22.1.
Variant type: single nucleotide variant.
Coding change: c.652C>T on transcript NM_000350.3 (MANE Select); coding-DNA position 652, C replaced by T.
Protein change: p.Gln218Ter; replaces glutamine 218 with a stop codon.
Molecular consequence: nonsense.
Genome position (GRCh38, 1-based): chr1:94,098,910, G>A on the plus strand (C>T on the coding strand, the complement: ABCA4 is on the minus strand). VCF-style: chr1-94098910-G-A. GRCh37 (hg19) VCF-style: chr1-94564466-G-A.
Other names: c.652C>T, p.Gln218Ter (NM_001425324.1); short protein forms Q218*.
Identifiers: ClinVar variation 4746868 (VCV004746868.1).